The following is an entry in ClinVar:

NM_002458.3(MUC5B):c.15450C>T (p.Thr5150=)

Gene: MUC5B (mucin 5B, oligomeric mucus/gel-forming; plus strand). Cytogenetic location: 11p15.5.
Variant type: single nucleotide variant.
Coding change: c.15450C>T on transcript NM_002458.3 (MANE Select); coding-DNA position 15450, C replaced by T.
Protein change: p.Thr5150=; no amino-acid change (threonine 5150 retained).
Molecular consequence: synonymous variant.
Genome position (GRCh38, 1-based): chr11:1,254,324, C>T. VCF-style: chr11-1254324-C-T. GRCh37 (hg19) VCF-style: chr11-1275554-C-T.
Identifiers: ClinVar variation 178792 (VCV000178792.5), dbSNP rs117336883, ClinGen allele CA183046.

ClinVar aggregate classification (germline): Benign. Review status: criteria provided, multiple submitters, no conflicts (2 of 4 stars). 2 submissions from 2 submitters: Benign (2). Last evaluated 2013-02-21.

Allele frequency attached by ClinVar (database versions not stated): 1000 Genomes Project 0.01478; ESP Exome Variant Server 0.02672; ExAC 0.02832; 1000 Genomes Project 30x 0.01437; gnomAD 0.02516 and 0.02604; gnomAD exomes 0.03000 and 0.02567; TOPMed 0.01984.

Submissions (2):

Laboratory for Molecular Medicine, Mass General Brigham Personalized Medicine
Classification: Benign. Last evaluated: 2013-02-21. Review status: criteria provided, single submitter. Criteria: LMM Criteria. Collection method: clinical testing. Allele origin: germline. Observed: 7 variant alleles.
Comment: Thr5150Thr in exon 34 of MUC5B: This variant is not expected to have clinical si gnificance because it does not alter an amino acid residue and is not located wi thin the splice consensus sequence. It has been identified in 3.2% (276/8496) of European American chromosomes from a broad population by the NHLBI Exome Sequen cing Project (dbSNP rs117336883).

Breakthrough Genomics
Classification: Benign. Review status: criteria provided, single submitter. Criteria: ACMG Guidelines, 2015. Collection method: not provided. Allele origin: germline. Inheritance: Autosomal dominant inheritance. Affected: yes.